The following is an entry in ClinVar:

NM_004655.4(AXIN2):c.966T>C (p.Ile322=)

Gene: AXIN2 (axin 2; minus strand). Cytogenetic location: 17q24.1.
Variant type: single nucleotide variant.
Coding change: c.966T>C on transcript NM_004655.4 (MANE Select); coding-DNA position 966, T replaced by C.
Protein change: p.Ile322=; no amino-acid change (isoleucine 322 retained).
Molecular consequence: synonymous variant.
Genome position (GRCh38, 1-based): chr17:65,541,548, A>G on the plus strand (T>C on the coding strand, the complement: AXIN2 is on the minus strand). VCF-style: chr17-65541548-A-G. GRCh37 (hg19) VCF-style: chr17-63537666-A-G.
Other names: c.966T>C, p.Ile322= (NM_001363813.1).
Identifiers: ClinVar variation 2958937 (VCV002958937.5), dbSNP rs2544197038, ClinGen allele CA501476524.
Genomic context (GRCh38, chr17:65,541,548, plus strand): 5'-CTTCACACTGCGATGCATTTCTCTCTGGAGCTGTTTCTTACTGCCCACACGATAAGGAGG[A>G]ATTCCATCTCTAAGGGAAAGGAAAAGACAGAATCCACAGGCTTACGAGGATGTTTTCAGC-3'
Protein context (NP_004646.3, residues 312-332): MSMTDSSVDG[Ile322=]PPYRVGSKKQ

ClinVar aggregate classification (germline): Benign/Likely benign. Review status: criteria provided, multiple submitters, no conflicts (2 of 4 stars). 3 submissions from 3 submitters: Benign (1); Likely benign (2). Last evaluated 2024-06-28.

Conditions:
Hereditary cancer-predisposing syndrome. Also called: Tumor predisposition; Hereditary neoplastic syndrome; Hereditary Cancer Syndrome; Neoplastic Syndromes, Hereditary. Identifiers: Orphanet 140162, MedGen C0027672, MeSH D009386, MONDO:0015356.
Oligodontia-cancer predisposition syndrome. Also called: TOOTH AGENESIS-COLORECTAL CANCER SYNDROME. Identifiers: Orphanet 300576, MedGen C1837750, MONDO:0012075, OMIM 608615. Disease mechanism: loss of function.

Submissions (3):

Myriad Genetics, Inc.
Classification: Benign for Oligodontia-cancer predisposition syndrome. Last evaluated: 2024-06-28. Review status: criteria provided, single submitter. Criteria: Myriad Autosomal Dominant, Autosomal Recessive and X-Linked Classification Criteria (2023). Collection method: clinical testing. Allele origin: unknown.
Comment: This variant is considered benign. This variant is a silent/synonymous amino acid change and it is not expected to impact splicing.

Labcorp Genetics (formerly Invitae), Labcorp
Classification: Likely benign for Oligodontia-cancer predisposition syndrome. Last evaluated: 2024-01-12. Review status: criteria provided, single submitter. Criteria: Invitae Variant Classification Sherloc (09022015). Collection method: clinical testing. Allele origin: germline.

Ambry Genetics
Classification: Likely benign for Hereditary cancer-predisposing syndrome. Last evaluated: 2023-09-21. Review status: criteria provided, single submitter. Criteria: Ambry Variant Classification Scheme 2023. Collection method: clinical testing. Allele origin: germline.